The following is an entry in ClinVar:

NM_170682.4(P2RX2):c.782T>A (p.Val261Asp)

Gene: P2RX2 (purinergic receptor P2X 2; plus strand). Cytogenetic location: 12q24.33.
Variant type: single nucleotide variant.
Coding change: c.782T>A on transcript NM_170682.4 (MANE Select); coding-DNA position 782, T replaced by A.
Protein change: p.Val261Asp; replaces valine 261 with aspartic acid.
Molecular consequence: missense variant.
Genome position (GRCh38, 1-based): chr12:132,621,008, T>A. VCF-style: chr12-132621008-T-A. GRCh37 (hg19) VCF-style: chr12-133197594-T-A.
Other names: c.680T>A, p.Val227Asp (NM_001282164.2); c.782T>A, p.Val261Asp (NM_001282165.2, NM_170683.4, NM_174873.3); c.566T>A, p.Val189Asp (NM_012226.5); c.710T>A, p.Val237Asp (NM_016318.4); c.506T>A, p.Val169Asp (NM_174872.3); short protein forms V169D, V237D, V261D, V189D, V227D.
Identifiers: ClinVar variation 3685390 (VCV003685390.2).

ClinVar aggregate classification (germline): Uncertain significance (1 of 4 stars; one submission).

gnomAD v4.1: 7 of 1,613,782 alleles (0.00043%); highest among the groups gnomAD compares: African/African-American, 0.008%; no homozygotes.

Submission:

Labcorp Genetics (formerly Invitae), Labcorp
Classification: Uncertain significance. Last evaluated: 2024-05-09. Review status: criteria provided, single submitter. Criteria: Invitae Variant Classification Sherloc (09022015). Collection method: clinical testing. Allele origin: germline.
Comment: This sequence change replaces valine, which is neutral and non-polar, with aspartic acid, which is acidic and polar, at codon 261 of the P2RX2 protein (p.Val261Asp). This variant is present in population databases (rs747061410, gnomAD 0.02%). This variant has not been reported in the literature in individuals affected with P2RX2-related conditions. Advanced modeling of protein sequence and biophysical properties (such as structural, functional, and spatial information, amino acid conservation, physicochemical variation, residue mobility, and thermodynamic stability) performed at Invitae indicates that this missense variant is expected to disrupt P2RX2 protein function with a positive predictive value of 80%. In summary, the available evidence is currently insufficient to determine the role of this variant in disease. Therefore, it has been classified as a Variant of Uncertain Significance.